The following is an entry in ClinVar:

ClinVar aggregate classification (germline): Uncertain significance (1 of 4 stars; one submission).

Conditions:
Familial thoracic aortic aneurysm and aortic dissection (TAAD). Also called: Thoracic aortic aneurysms and dissections. Identifiers: Orphanet 91387, MedGen C4707243, MONDO:0019625.

gnomAD v4.1: 1 of 1,576,650 alleles (0.000063%); highest among the groups gnomAD compares: African/African-American, 0.0013%; no homozygotes.

Submission:

Ambry Genetics
Classification: Uncertain significance for Familial thoracic aortic aneurysm and aortic dissection. Last evaluated: 2026-07-10. Review status: criteria provided, single submitter. Criteria: Ambry Variant Classification Scheme 2023. Collection method: clinical testing. Allele origin: germline.
Comment: The p.G28A variant (also known as c.83G>C), located in coding exon 1 of the FBN2 gene, results from a G to C substitution at nucleotide position 83. The glycine at codon 28 is replaced by alanine, an amino acid with similar properties. This amino acid position is conserved. In addition, this alteration is predicted to be tolerated by in silico analysis. Based on the available evidence, the clinical significance of this variant remains unclear.

NM_001999.4(FBN2):c.83G>C (p.Gly28Ala)

Gene: FBN2 (fibrillin 2; minus strand). Cytogenetic location: 5q23.3.
Variant type: single nucleotide variant.
Coding change: c.83G>C on transcript NM_001999.4 (MANE Select); coding-DNA position 83, G replaced by C.
Protein change: p.Gly28Ala; replaces glycine 28 with alanine.
Molecular consequence: missense variant.
Genome position (GRCh38, 1-based): chr5:128,537,521, C>G on the plus strand (G>C on the coding strand, the complement: FBN2 is on the minus strand). VCF-style: chr5-128537521-C-G. GRCh37 (hg19) VCF-style: chr5-127873214-C-G.
Other names: short protein forms G28A.
Identifiers: ClinVar variation 5021625 (VCV005021625.1).